The following is an entry in ClinVar:

ClinVar aggregate classification (germline): Likely pathogenic (1 of 4 stars; one submission).

Conditions:
Duchenne muscular dystrophy (DMD). Also called: Duchenne Muscular Dystrophy (DMD); MUSCULAR DYSTROPHY, PSEUDOHYPERTROPHIC PROGRESSIVE, DUCHENNE TYPE. Identifiers: Orphanet 98896, MedGen C0013264, MONDO:0010679, OMIM 310200.

gnomAD v4.1: 1 of 1,193,674 alleles (0.000084%); highest among the groups gnomAD compares: Non-Finnish European, 0.00011%; no homozygotes.

Submission:

3billion
Classification: Likely pathogenic for Duchenne muscular dystrophy. Last evaluated: 2025-12-07. Review status: criteria provided, single submitter. Criteria: ACMG Guidelines, 2015. Collection method: clinical testing. Allele origin: germline. Affected: yes.
Comment: The variant is observed at an extremely low frequency in the gnomAD v4.1.0 dataset (total allele frequency: <0.001%). Predicted Consequence/Location: Canonical splice site: predicted to alter splicing. In silico tools predict the variant to alter splicing and produce an abnormal transcript [SpliceAI: 0.96 (spliceogenicity >=0.2, non-spliceogenicity <0.1)]. Therefore, this variant is classified as Likely pathogenic according to the recommendation of ACMG/AMP guideline.

NM_004006.3(DMD):c.4344+1G>A

Gene: DMD (dystrophin; minus strand). Cytogenetic location: Xp21.1.
Variant type: single nucleotide variant.
Coding change: c.4344+1G>A on transcript NM_004006.3 (MANE Select); the canonical splice donor site of the intron after coding-DNA position 4344, G replaced by A.
Molecular consequence: splice donor variant.
Genome position (GRCh38, 1-based): chrX:32,390,070, C>T on the plus strand (G>A on the coding strand, the complement: DMD is on the minus strand). VCF-style: chrX-32390070-C-T. GRCh37 (hg19) VCF-style: chrX-32408187-C-T.
Other names: c.4320+1G>A (NM_000109.4); c.321+1G>A (NM_004011.4); c.312+1G>A (NM_004012.4); c.4332+1G>A (NM_004009.3); c.3975+1G>A (NM_004010.3).
Identifiers: ClinVar variation 4855516 (VCV004855516.1).